The following is an entry in ClinVar:

NM_001972.4(ELANE):c.242G>A (p.Arg81Gln)

Gene: ELANE (elastase, neutrophil expressed; plus strand). Cytogenetic location: 19p13.3.
Variant type: single nucleotide variant.
Coding change: c.242G>A on transcript NM_001972.4 (MANE Select); coding-DNA position 242, G replaced by A.
Protein change: p.Arg81Gln; replaces arginine 81 with glutamine.
Molecular consequence: missense variant.
Genome position (GRCh38, 1-based): chr19:853,279, G>A. VCF-style: chr19-853279-G-A. GRCh37 (hg19) VCF-style: chr19-853279-G-A.
Other names: short protein forms R81Q.
Identifiers: ClinVar variation 2027251 (VCV002027251.4), dbSNP rs762470485, ClinGen allele CA402915161.

ClinVar aggregate classification (germline): Uncertain significance (1 of 4 stars; one submission).

Conditions:
Cyclical neutropenia. Also called: Cyclic Neutropenia; Cyclic hematopoiesis. Identifiers: Orphanet 2686, MedGen C0221023, MONDO:0008090, OMIM 162800, HP:0040289. Disease mechanism: loss of function.
Neutropenia, severe congenital, 1, autosomal dominant. Identifiers: MedGen C1859966, MONDO:0042490, OMIM 202700.

Allele frequency attached by ClinVar (database versions not stated): gnomAD 0.00001.

Submission:

Labcorp Genetics (formerly Invitae), Labcorp
Classification: Uncertain significance for Neutropenia, severe congenital, 1, autosomal dominant; Cyclical neutropenia. Last evaluated: 2022-08-27. Review status: criteria provided, single submitter. Criteria: Invitae Variant Classification Sherloc (09022015). Collection method: clinical testing. Allele origin: germline.
Comment: In summary, the available evidence is currently insufficient to determine the role of this variant in disease. Therefore, it has been classified as a Variant of Uncertain Significance. This variant has not been reported in the literature in individuals affected with ELANE-related conditions. This variant is not present in population databases (gnomAD no frequency). This variant disrupts the p.Arg81 amino acid residue in ELANE. Other variant(s) that disrupt this residue have been determined to be pathogenic (PMID: 14962902, 23463630, 25705433, 31965297, 33225392). This suggests that this residue is clinically significant, and that variants that disrupt this residue are likely to be disease-causing. Algorithms developed to predict the effect of missense changes on protein structure and function output the following: SIFT: "Tolerated"; PolyPhen-2: "Benign"; Align-GVGD: "Class C0". The glutamine amino acid residue is found in multiple mammalian species, which suggests that this missense change does not adversely affect protein function. This sequence change replaces arginine, which is basic and polar, with glutamine, which is neutral and polar, at codon 81 of the ELANE protein (p.Arg81Gln).

Literature cited by the submitters: PubMed 14962902; PubMed 23463630; PubMed 25705433; PubMed 31965297; PubMed 33225392.